The following is an entry in ClinVar:

NM_024529.5(CDC73):c.353T>C (p.Leu118Pro)

Gene: CDC73 (cell division cycle 73; plus strand). Cytogenetic location: 1q31.2.
Variant type: single nucleotide variant.
Coding change: c.353T>C on transcript NM_024529.5 (MANE Select); coding-DNA position 353, T replaced by C.
Protein change: p.Leu118Pro; replaces leucine 118 with proline.
Molecular consequence: missense variant.
Genome position (GRCh38, 1-based): chr1:193,135,436, T>C. VCF-style: chr1-193135436-T-C. GRCh37 (hg19) VCF-style: chr1-193104566-T-C.
Other names: short protein forms L118P.
Identifiers: ClinVar variation 3227872 (VCV003227872.1), dbSNP rs2527311921, ClinGen allele CA343960475.

ClinVar aggregate classification (germline): Uncertain significance (1 of 4 stars; one submission).

Conditions:
Hereditary cancer-predisposing syndrome. Also called: Neoplastic Syndromes, Hereditary; Tumor predisposition; Hereditary neoplastic syndrome; Hereditary Cancer Syndrome. Identifiers: Orphanet 140162, MedGen C0027672, MeSH D009386, MONDO:0015356.

Submission:

Ambry Genetics
Classification: Uncertain significance for Hereditary cancer-predisposing syndrome. Last evaluated: 2024-02-20. Review status: criteria provided, single submitter. Criteria: Ambry Variant Classification Scheme 2023. Collection method: clinical testing. Allele origin: germline.
Comment: The p.L118P variant (also known as c.353T>C), located in coding exon 4 of the CDC73 gene, results from a T to C substitution at nucleotide position 353. The leucine at codon 118 is replaced by proline, an amino acid with similar properties. This amino acid position is conserved. In addition, this alteration is predicted to be deleterious by in silico analysis. Based on the available evidence, the clinical significance of this alteration remains unclear.